The following is an entry in ClinVar:

NM_014026.6(DCPS):c.16C>T (p.Pro6Ser)

Genes: DCPS (decapping enzyme, scavenger; plus strand), TIRAP-AS1 (TIRAP antisense RNA 1; minus strand), LOC130007028 (ATAC-STARR-seq lymphoblastoid silent region 4049; plus strand). Cytogenetic location: 11q24.2.
Variant type: single nucleotide variant.
Coding change: c.16C>T on transcript NM_014026.6 (MANE Select); coding-DNA position 16, C replaced by T.
Protein change: p.Pro6Ser; replaces proline 6 with serine.
Molecular consequence: missense variant.
Genome position (GRCh38, 1-based): chr11:126,304,096, C>T. VCF-style: chr11-126304096-C-T. GRCh37 (hg19) VCF-style: chr11-126173991-C-T.
Other names: c.16C>T, p.Pro6Ser (NM_001350236.2); short protein forms P6S.
Identifiers: ClinVar variation 3368227 (VCV003368227.1).

ClinVar aggregate classification (germline): Uncertain significance (1 of 4 stars; one submission).

gnomAD v4.1: 17 of 1,608,446 alleles (0.0011%); highest among the groups gnomAD compares: South Asian, 0.013%; 1 homozygote.

Submission:

GeneDx
Classification: Uncertain significance. Last evaluated: 2024-01-22. Review status: criteria provided, single submitter. Criteria: GeneDx Variant Classification Process June 2021. Collection method: clinical testing. Allele origin: germline. Affected: yes.
Comment: In silico analysis supports that this missense variant does not alter protein structure/function; Has not been previously published as pathogenic or benign to our knowledge